The following is an entry in ClinVar:

ClinVar aggregate classification (germline): Likely pathogenic (1 of 4 stars; one submission).

Submission:

Labcorp Genetics (formerly Invitae), Labcorp
Classification: Likely pathogenic. Last evaluated: 2023-02-23. Review status: criteria provided, single submitter. Criteria: Invitae Variant Classification Sherloc (09022015). Collection method: clinical testing. Allele origin: germline.
Comment: This missense change has been observed in individual(s) with clinical features of TUBB2A-related conditions (Invitae). In at least one individual the variant was observed to be de novo. This variant is not present in population databases (gnomAD no frequency). This sequence change replaces methionine, which is neutral and non-polar, with arginine, which is basic and polar, at codon 363 of the TUBB2A protein (p.Met363Arg). In summary, the currently available evidence indicates that the variant is pathogenic, but additional data are needed to prove that conclusively. Therefore, this variant has been classified as Likely Pathogenic. Advanced modeling of protein sequence and biophysical properties (such as structural, functional, and spatial information, amino acid conservation, physicochemical variation, residue mobility, and thermodynamic stability) has been performed at Invitae for this missense variant, however the output from this modeling did not meet the statistical confidence thresholds required to predict the impact of this variant on TUBB2A protein function.

NM_001069.3(TUBB2A):c.1088T>G (p.Met363Arg)

Gene: TUBB2A (tubulin beta 2A class IIa; minus strand). Cytogenetic location: 6p25.2.
Variant type: single nucleotide variant.
Coding change: c.1088T>G on transcript NM_001069.3 (MANE Select); coding-DNA position 1088, T replaced by G.
Protein change: p.Met363Arg; replaces methionine 363 with arginine.
Molecular consequence: missense variant.
Genome position (GRCh38, 1-based): chr6:3,154,113, A>C on the plus strand (T>G on the coding strand, the complement: TUBB2A is on the minus strand). VCF-style: chr6-3154113-A-C. GRCh37 (hg19) VCF-style: chr6-3154347-A-C.
Other names: c.833T>G, p.Met278Arg (NM_001310315.2); short protein forms M278R, M363R.
Identifiers: ClinVar variation 2028113 (VCV002028113.4), dbSNP rs2113785063, ClinGen allele CA362591261.
Genomic context (GRCh38, chr6:3,154,113, plus strand): 5'-TCGGAGATGCGCTTGAACAGCTCCTGGATGGCCGTGCTGTTGCCGATGAAGGTGGCCGAC[A>C]TCTTCAGGCCGCGGGGCGGGATGTCGCACACGGCCGTCTTCACGTTGTTGGGGATCCACT-3'
Protein context (NP_001060.1, residues 353-373): VCDIPPRGLK[Met363Arg]SATFIGNSTA